The following is an entry in ClinVar:

NM_172201.2(KCNE2):c.363G>T (p.Met121Ile)

Genes: KCNE2 (potassium voltage-gated channel subfamily E regulatory subunit 2; plus strand), LOC105372791 (uncharacterized LOC105372791; minus strand). Cytogenetic location: 21q22.11.
Variant type: single nucleotide variant.
Coding change: c.363G>T on transcript NM_172201.2 (MANE Select); coding-DNA position 363, G replaced by T.
Protein change: p.Met121Ile; replaces methionine 121 with isoleucine.
Molecular consequence: missense variant. On other transcripts: non-coding transcript variant (2).
Genome position (GRCh38, 1-based): chr21:34,370,841, G>T. VCF-style: chr21-34370841-G-T. GRCh37 (hg19) VCF-style: chr21-35743140-G-T.
Other names: short protein forms M121I.
Identifiers: ClinVar variation 3772339 (VCV003772339.13).

ClinVar aggregate classification (germline): Uncertain significance (1 of 4 stars; one submission).

Submission:

CeGaT Center for Human Genetics Tuebingen
Classification: Uncertain significance. Last evaluated: 2025-01-01. Review status: criteria provided, single submitter. Criteria: CeGaT Center For Human Genetics Tuebingen Variant Classification Criteria Version 2. Collection method: clinical testing. Allele origin: germline. Affected: yes. Observed: 1 variant allele.
Comment: KCNE2: PM2, BP4